The following is an entry in ClinVar:

ClinVar aggregate classification (germline): Uncertain significance (1 of 4 stars; one submission).

Conditions:
GLUT1 deficiency syndrome 1, autosomal recessive. Identifiers: MedGen C3149117.

Submission:

Labcorp Genetics (formerly Invitae), Labcorp
Classification: Uncertain significance for GLUT1 deficiency syndrome 1, autosomal recessive. Last evaluated: 2020-05-20. Review status: criteria provided, single submitter. Criteria: Invitae Variant Classification Sherloc (09022015). Collection method: clinical testing. Allele origin: germline.
Comment: In summary, the available evidence is currently insufficient to determine the role of this variant in disease. Therefore, it has been classified as a Variant of Uncertain Significance. Algorithms developed to predict the effect of missense changes on protein structure and function are either unavailable or do not agree on the potential impact of this missense change (SIFT: "Tolerated"; PolyPhen-2: "Probably Damaging"; Align-GVGD: "Class C0"). This variant has not been reported in the literature in individuals with SLC2A1-related conditions. This variant is not present in population databases (ExAC no frequency). This sequence change replaces threonine with isoleucine at codon 62 of the SLC2A1 protein (p.Thr62Ile). The threonine residue is moderately conserved and there is a moderate physicochemical difference between threonine and isoleucine.

NM_006516.4(SLC2A1):c.185C>T (p.Thr62Ile)

Gene: SLC2A1 (solute carrier family 2 member 1; minus strand). Cytogenetic location: 1p34.2.
Variant type: single nucleotide variant.
Coding change: c.185C>T on transcript NM_006516.4 (MANE Select); coding-DNA position 185, C replaced by T.
Protein change: p.Thr62Ile; replaces threonine 62 with isoleucine.
Molecular consequence: missense variant.
Genome position (GRCh38, 1-based): chr1:42,931,136, G>A on the plus strand (C>T on the coding strand, the complement: SLC2A1 is on the minus strand). VCF-style: chr1-42931136-G-A. GRCh37 (hg19) VCF-style: chr1-43396807-G-A.
Other names: short protein forms T62I.
Identifiers: ClinVar variation 1017035 (VCV001017035.9), dbSNP rs1643485004, ClinGen allele CA339962155.